The following is an entry in ClinVar:

NM_005732.4(RAD50):c.2398A>G (p.Met800Val)

Gene: RAD50 (RAD50 double strand break repair protein; plus strand). Cytogenetic location: 5q31.1.
Variant type: single nucleotide variant.
Coding change: c.2398A>G on transcript NM_005732.4 (MANE Select); coding-DNA position 2398, A replaced by G.
Protein change: p.Met800Val; replaces methionine 800 with valine.
Molecular consequence: missense variant.
Genome position (GRCh38, 1-based): chr5:132,603,920, A>G. VCF-style: chr5-132603920-A-G. GRCh37 (hg19) VCF-style: chr5-131939612-A-G.
Other names: short protein forms M800V.
Identifiers: ClinVar variation 2988080 (VCV002988080.3), dbSNP rs2479665955, ClinGen allele CA360955276.

ClinVar aggregate classification (germline): Uncertain significance (1 of 4 stars; one submission).

Conditions:
Hereditary cancer-predisposing syndrome. Also called: Tumor predisposition; Hereditary neoplastic syndrome; Hereditary Cancer Syndrome; Neoplastic Syndromes, Hereditary. Identifiers: Orphanet 140162, MedGen C0027672, MeSH D009386, MONDO:0015356.

Allele frequency attached by ClinVar (database versions not stated): gnomAD exomes below 0.00001.
gnomAD v4.1: 1 of 1,595,332 alleles (0.000063%); highest among the groups gnomAD compares: Non-Finnish European, 0.000086%; no homozygotes.

Submission:

Labcorp Genetics (formerly Invitae), Labcorp
Classification: Uncertain significance for Hereditary cancer-predisposing syndrome. Last evaluated: 2023-06-20. Review status: criteria provided, single submitter. Criteria: Invitae Variant Classification Sherloc (09022015). Collection method: clinical testing. Allele origin: germline.
Comment: This sequence change replaces methionine, which is neutral and non-polar, with valine, which is neutral and non-polar, at codon 800 of the RAD50 protein (p.Met800Val). This variant is not present in population databases (gnomAD no frequency). This variant has not been reported in the literature in individuals affected with RAD50-related conditions. An algorithm developed to predict the effect of missense changes on protein structure and function (PolyPhen-2) suggests that this variant is likely to be tolerated. In summary, the available evidence is currently insufficient to determine the role of this variant in disease. Therefore, it has been classified as a Variant of Uncertain Significance.